The following is an entry in ClinVar:

NM_014112.5(TRPS1):c.769C>T (p.Arg257Ter)

Gene: TRPS1 (transcriptional repressor GATA binding 1; minus strand). Cytogenetic location: 8q23.3.
Variant type: single nucleotide variant.
Coding change: c.769C>T on transcript NM_014112.5 (MANE Select); coding-DNA position 769, C replaced by T.
Protein change: p.Arg257Ter; replaces arginine 257 with a stop codon.
Molecular consequence: nonsense.
Genome position (GRCh38, 1-based): chr8:115,619,329, G>A on the plus strand (C>T on the coding strand, the complement: TRPS1 is on the minus strand). VCF-style: chr8-115619329-G-A. GRCh37 (hg19) VCF-style: chr8-116631556-G-A.
Other names: c.742C>T, p.Arg248Ter (NM_001282902.3); c.748C>T, p.Arg250Ter (NM_001282903.3); c.730C>T, p.Arg244Ter (NM_001330599.2); c.769C>T (NM_014112.2); short protein forms R244*, R257*, R248*, R250*.
Identifiers: ClinVar variation 1459463 (VCV001459463.15), dbSNP rs2130531352, ClinGen allele CA372068906.

ClinVar aggregate classification (germline): Pathogenic. Review status: criteria provided, multiple submitters, no conflicts (2 of 4 stars). 7 submissions from 7 submitters: Pathogenic (6). 1 of the submissions does not count toward it. Last evaluated 2025-12-12.

Conditions:
Trichorhinophalangeal dysplasia type I (TRPS1). Also called: TRPS I; TRICHORHINOPHALANGEAL SYNDROME, TYPE I. Identifiers: Orphanet 77258, MedGen C0432233, MONDO:0008596, OMIM 190350.
Inborn genetic diseases. Identifiers: MedGen C0950123, MeSH D030342.
Trichorhinophalangeal syndrome, type III (TRPS3). Also called: SUGIO-KAJII SYNDROME. Identifiers: Orphanet 77258, MedGen C1860823, OMIM 190351, MONDO:0008597.
TRPS1-related disorder. Also called: TRPS1-related condition.

Submissions (7):

Ambry Genetics
Classification: Pathogenic for Inborn genetic diseases. Last evaluated: 2025-12-12. Review status: criteria provided, single submitter. Criteria: Ambry Variant Classification Scheme 2023. Collection method: clinical testing. Allele origin: germline.
Comment: The c.769C>T (p.R257*) alteration, located in exon 3 (coding exon 2) of the TRPS1 gene, consists of a C to T substitution at nucleotide position 769. This changes the amino acid from a arginine (R) to a stop codon at amino acid position 257. This alteration is expected to result in loss of function by premature protein truncation or nonsense-mediated mRNA decay. This variant was not reported in population-based cohorts in the Genome Aggregation Database (gnomAD). This variant was determined to be de novo in at least one individual with features consistent with TRPS1-related trichorhinophalangeal syndrome (Farooq, 2014). Based on the available evidence, this alteration is classified as pathogenic.

GeneDx
Classification: Pathogenic. Last evaluated: 2025-08-22. Review status: criteria provided, single submitter. Criteria: GeneDx Variant Classification Process June 2021. Collection method: clinical testing. Allele origin: germline.
Comment: Nonsense variant predicted to result in protein truncation or nonsense mediated decay in a gene for which loss of function is a known mechanism of disease; Not observed at significant frequency in large population cohorts (gnomAD); This variant is associated with the following publications: (PMID: 23621477)

Genetics and Molecular Pathology, SA Pathology
Classification: Pathogenic for Trichorhinophalangeal dysplasia type I. Last evaluated: 2023-05-16. Review status: criteria provided, single submitter. Criteria: ACMG Guidelines, 2015. Collection method: clinical testing. Allele origin: germline. Affected: yes.
Comment: The TRPS1 c.769C>T variant is classified as a PATHOGENIC variant (PVS1, PS4_moderate, PM2, PP4) The variant is a single nucleotide change at exon 3/7 of the TRPS1 gene which is predicted to result in a premature termination of the protein product at codon 257. This variant is predicted to cause loss of normal protein function which is a known mechanism of disease for the TRPS1 gene (PVS1). The variant has not been reported in dbSNP and is absent from population databases (PM2). The variant has been previously identified in at least two (or more) individuals affected with Trichorhinoplalangeal syndrome (PMID: 23621477, ClinVar) (PS4_moderate). The variant has been reported in ClinVar (Variation ID: #1459463) or HGMD (Accession no.: CM134356) as Pathogenic/ disease causing. The patient's phenotype is highly specific for the TRPS1 gene (PP4).

Greenwood Genetic Center Diagnostic Laboratories, Greenwood Genetic Center
Classification: Pathogenic for TRPS1-related disorder. Last evaluated: 2023-04-25. Review status: criteria provided, single submitter. Criteria: ACMG Guidelines, 2015. Collection method: clinical testing. Allele origin: germline. Affected: yes.
Comment: PVS1, PS4_Supporting, PM2, PM6

Victorian Clinical Genetics Services, Murdoch Childrens Research Institute
Classification: Pathogenic for Trichorhinophalangeal dysplasia type I. Last evaluated: 2022-09-02. Review status: criteria provided, single submitter. Criteria: ACMG Guidelines, 2015. Collection method: clinical testing. Allele origin: germline. Inheritance: Autosomal dominant inheritance. Affected: yes.
Comment: Based on the classification scheme VCGS_Germline_v1.3.4, this variant is classified as Pathogenic. Following criteria are met: 0102 - Loss of function is a known mechanism of disease in this gene and is associated with trichorhinophalangeal syndrome, type I (MIM#190350). (I) 0107 - This gene is associated with autosomal dominant disease. (I) 0201 - Variant is predicted to cause nonsense-mediated decay (NMD) and loss of protein (premature termination codon is located at least 54 nucleotides upstream of the final exon-exon junction). (SP) 0251 - This variant is heterozygous. (I) 0301 - Variant is absent from gnomAD (both v2 and v3). (SP) 0701 - Other NMD-predicted variants comparable to the one identified in this case have very strong previous evidence for pathogenicity (DECIPHER). (SP) 0802 - This variant has moderate previous evidence of pathogenicity in unrelated individuals. This variant has been classified as pathogenic by a clinical laboratory in ClinVar and observed as de novo in an individual with trichorhinophalangeal syndrome type I (PMID: 23621477). (SP) 0905 - No published segregation evidence has been identified for this variant. (I) 1007 - No published functional evidence has been identified for this variant. (SP) Legend: (SP) - Supporting pathogenic, (I) - Information, (SB) - Supporting benign

Labcorp Genetics (formerly Invitae), Labcorp
Classification: Pathogenic for Trichorhinophalangeal syndrome, type III; Trichorhinophalangeal dysplasia type I. Last evaluated: 2020-12-02. Review status: criteria provided, single submitter. Criteria: Invitae Variant Classification Sherloc (09022015). Collection method: clinical testing. Allele origin: germline.
Comment: This sequence change creates a premature translational stop signal (p.Arg257*) in the TRPS1 gene. It is expected to result in an absent or disrupted protein product. Loss-of-function variants in TRPS1 are known to be pathogenic (PMID: 11112658). This variant is not present in population databases (ExAC no frequency). This variant has been observed in individual(s) with trichorhinophalangeal syndrome (PMID: 23621477). In at least one individual the variant was observed to be de novo. For these reasons, this variant has been classified as Pathogenic.

Zotz-Klimas Genetics Lab, MVZ Zotz Klimas
Classification: Likely pathogenic for Trichorhinophalangeal dysplasia type I. Last evaluated: 2023-04-13. Review status: no assertion criteria provided. Collection method: clinical testing. Allele origin: germline. Affected: yes. Not counted in ClinVar's aggregate classification.

Literature cited by the submitters: PubMed 23621477 (cited by 4 submitters); PubMed 11112658 (cited by Labcorp Genetics (formerly Invitae), Labcorp).